The following is an entry in ClinVar:

ClinVar aggregate classification (germline): Uncertain significance (1 of 4 stars; one submission).

Conditions:
Paroxysmal nonkinesigenic dyskinesia 1 (PNKD1). Also called: MOUNT-REBACK SYNDROME; Nonkinesigenic choreoathetosis; Familial paroxysmal choreoathetosis; Familial Paroxysmal Nonkinesigenic Dyskinesia; PAROXYSMAL DYSTONIC CHOREOATHETOSIS; DYSTONIA 8. Identifiers: Orphanet 98810, MedGen C4551506, MONDO:0700089, OMIM 118800, MONDO:0007326.

Allele frequency attached by ClinVar (database versions not stated): gnomAD exomes below 0.00001 and 0.00001; ExAC 0.00001.
gnomAD v4.1: 2 of 1,612,028 alleles (0.00012%); highest among the groups gnomAD compares: Admixed American, 0.0033%; no homozygotes.

Submission:

Labcorp Genetics (formerly Invitae), Labcorp
Classification: Uncertain significance for Paroxysmal choreoathetosis. Last evaluated: 2018-04-25. Review status: criteria provided, single submitter. Criteria: Invitae Variant Classification Sherloc (09022015). Collection method: clinical testing. Allele origin: germline.
Comment: This sequence change replaces histidine with glutamine at codon 206 of the PNKD protein (p.His206Gln). The histidine residue is moderately conserved and there is a small physicochemical difference between histidine and glutamine. This variant is present in population databases (rs776176020, ExAC 0.009%). This variant has not been reported in the literature in individuals with PNKD-related disease. Algorithms developed to predict the effect of missense changes on protein structure and function (SIFT, PolyPhen-2, Align-GVGD) all suggest that this variant is likely to be tolerated, but these predictions have not been confirmed by published functional studies and their clinical significance is uncertain. In summary, the available evidence is currently insufficient to determine the role of this variant in disease. Therefore, it has been classified as a Variant of Uncertain Significance.

NM_015488.5(PNKD):c.618T>A (p.His206Gln)

Genes: CATIP-AS2 (CATIP antisense RNA 2; minus strand), PNKD (PNKD metallo-beta-lactamase domain containing; plus strand). Cytogenetic location: 2q35.
Variant type: single nucleotide variant.
Coding change: c.618T>A on transcript NM_015488.5 (MANE Select); coding-DNA position 618, T replaced by A.
Protein change: p.His206Gln; replaces histidine 206 with glutamine.
Molecular consequence: missense variant.
Genome position (GRCh38, 1-based): chr2:218,341,981, T>A. VCF-style: chr2-218341981-T-A. GRCh37 (hg19) VCF-style: chr2-219206704-T-A.
Other names: c.546T>A, p.His182Gln (NM_022572.5); short protein forms H206Q, H182Q.
Identifiers: ClinVar variation 581050 (VCV000581050.1), dbSNP rs776176020, ClinGen allele CA2104045.